The following is an entry in ClinVar:

ClinVar aggregate classification (germline): Uncertain significance (1 of 4 stars; one submission).

Submission:

Labcorp Genetics (formerly Invitae), Labcorp
Classification: Uncertain significance. Last evaluated: 2023-12-17. Review status: criteria provided, single submitter. Criteria: Invitae Variant Classification Sherloc (09022015). Collection method: clinical testing. Allele origin: germline.
Comment: This sequence change creates a premature translational stop signal (p.Arg52Glyfs*8) in the COA3 gene. While this is not anticipated to result in nonsense mediated decay, it is expected to disrupt the last 55 amino acid(s) of the COA3 protein. This variant is not present in population databases (gnomAD no frequency). This variant has not been reported in the literature in individuals affected with COA3-related conditions. Experimental studies and prediction algorithms are not available or were not evaluated, and the functional significance of this variant is currently unknown. In summary, the available evidence is currently insufficient to determine the role of this variant in disease. Therefore, it has been classified as a Variant of Uncertain Significance.

NM_001040431.3(COA3):c.154del (p.Arg52fs)

Gene: COA3 (cytochrome c oxidase assembly factor 3; minus strand). Cytogenetic location: 17q21.2.
Variant type: Deletion.
Coding change: c.154del on transcript NM_001040431.3 (MANE Select); coding-DNA position 154, one base deleted (C; older notation c.154delC).
Protein change: p.Arg52fs; shifts the reading frame from arginine 52.
Molecular consequence: frameshift variant.
Genome position (GRCh38, 1-based): chr17:42,798,528, G deleted on the plus strand (C on the coding strand, the reverse complement: COA3 is on the minus strand). VCF-style (leftmost placement, unchanged base first): chr17-42798527-CG-C. GRCh37 (hg19) VCF-style: chr17-40950545-CG-C.
Other names: short protein forms R52fs.
Identifiers: ClinVar variation 2700197 (VCV002700197.3), dbSNP rs2544050632, ClinGen allele CA2697559907.